The following is an entry in ClinVar:

ClinVar aggregate classification (germline): Uncertain significance (1 of 4 stars; one submission).

gnomAD v4.1: 17 of 1,614,076 alleles (0.0011%); highest among the groups gnomAD compares: East Asian, 0.0067%; no homozygotes.

Submission:

Labcorp Genetics (formerly Invitae), Labcorp
Classification: Uncertain significance. Last evaluated: 2025-08-20. Review status: criteria provided, single submitter. Criteria: Invitae Variant Classification Sherloc (09022015). Collection method: clinical testing. Allele origin: germline.
Comment: This sequence change replaces arginine, which is basic and polar, with glutamine, which is neutral and polar, at codon 1636 of the KMT2A protein (p.Arg1636Gln). This variant is present in population databases (rs782229111, gnomAD 0.003%). This missense change has been observed in individual(s) with clinical features of KMT2A-related conditions (PMID: 33004838). Invitae Evidence Modeling of protein sequence and biophysical properties (such as structural, functional, and spatial information, amino acid conservation, physicochemical variation, residue mobility, and thermodynamic stability) has been performed for this missense variant. However, the output from this modeling did not meet the statistical confidence thresholds required to predict the impact of this variant on KMT2A protein function. In summary, the available evidence is currently insufficient to determine the role of this variant in disease. Therefore, it has been classified as a Variant of Uncertain Significance.

Literature cited by the submitters: PubMed 33004838.

NM_001197104.2(KMT2A):c.4907G>A (p.Arg1636Gln)

Gene: KMT2A (lysine methyltransferase 2A; plus strand). Cytogenetic location: 11q23.3.
Variant type: single nucleotide variant.
Coding change: c.4907G>A on transcript NM_001197104.2 (MANE Select); coding-DNA position 4907, G replaced by A.
Protein change: p.Arg1636Gln; replaces arginine 1636 with glutamine.
Molecular consequence: missense variant.
Genome position (GRCh38, 1-based): chr11:118,491,831, G>A. VCF-style: chr11-118491831-G-A. GRCh37 (hg19) VCF-style: chr11-118362546-G-A.
Other names: c.4997G>A, p.Arg1666Gln (NM_001412597.1); c.4898G>A, p.Arg1633Gln (NM_005933.4); short protein forms R1633Q, R1666Q, R1636Q.
Identifiers: ClinVar variation 4709892 (VCV004709892.1).